The following is an entry in ClinVar:

ClinVar aggregate classification (germline): Uncertain significance (1 of 4 stars; one submission).

Conditions:
Juvenile polyposis syndrome (JPS). Identifiers: Orphanet 2929, MedGen C0345893, MONDO:0017380, OMIM 174900.

Submission:

Labcorp Genetics (formerly Invitae), Labcorp
Classification: Uncertain significance for Juvenile polyposis syndrome. Last evaluated: 2019-04-08. Review status: criteria provided, single submitter. Criteria: Invitae Variant Classification Sherloc (09022015). Collection method: clinical testing. Allele origin: germline.
Comment: In summary, the available evidence is currently insufficient to determine the role of this variant in disease. Therefore, it has been classified as a Variant of Uncertain Significance. Algorithms developed to predict the effect of missense changes on protein structure and function are either unavailable or do not agree on the potential impact of this missense change (SIFT: "Deleterious"; PolyPhen-2: "Probably Damaging"; Align-GVGD: "Class C0"). This variant has not been reported in the literature in individuals with BMPR1A-related conditions. This variant is not present in population databases (ExAC no frequency). This sequence change replaces phenylalanine with cysteine at codon 58 of the BMPR1A protein (p.Phe58Cys). The phenylalanine residue is highly conserved and there is a large physicochemical difference between phenylalanine and cysteine.

NM_004329.3(BMPR1A):c.173T>G (p.Phe58Cys)

Gene: BMPR1A (bone morphogenetic protein receptor type 1A; plus strand). Cytogenetic location: 10q23.2.
Variant type: single nucleotide variant.
Coding change: c.173T>G on transcript NM_004329.3 (MANE Select); coding-DNA position 173, T replaced by G.
Protein change: p.Phe58Cys; replaces phenylalanine 58 with cysteine.
Molecular consequence: missense variant.
Genome position (GRCh38, 1-based): chr10:86,890,167, T>G. VCF-style: chr10-86890167-T-G. GRCh37 (hg19) VCF-style: chr10-88649924-T-G.
Other names: short protein forms F58C.
Identifiers: ClinVar variation 950775 (VCV000950775.10), dbSNP rs1843127298, ClinGen allele CA377446868.